The following is an entry in ClinVar:

ClinVar aggregate classification (germline): Uncertain significance (1 of 4 stars; one submission).

Allele frequency attached by ClinVar (database versions not stated): gnomAD exomes below 0.00001; ExAC 0.00001.

Submission:

Labcorp Genetics (formerly Invitae), Labcorp
Classification: Uncertain significance. Last evaluated: 2022-06-28. Review status: criteria provided, single submitter. Criteria: Invitae Variant Classification Sherloc (09022015). Collection method: clinical testing. Allele origin: germline.
Comment: In summary, the available evidence is currently insufficient to determine the role of this variant in disease. Therefore, it has been classified as a Variant of Uncertain Significance. Algorithms developed to predict the effect of missense changes on protein structure and function (SIFT, PolyPhen-2, Align-GVGD) all suggest that this variant is likely to be tolerated. This variant has not been reported in the literature in individuals affected with ELOVL1-related conditions. This variant is present in population databases (rs765129030, gnomAD 0.003%). This sequence change replaces phenylalanine, which is neutral and non-polar, with leucine, which is neutral and non-polar, at codon 56 of the ELOVL1 protein (p.Phe56Leu).

NM_022821.4(ELOVL1):c.166T>C (p.Phe56Leu)

Gene: ELOVL1 (ELOVL fatty acid elongase 1; minus strand). Cytogenetic location: 1p34.2.
Variant type: single nucleotide variant.
Coding change: c.166T>C on transcript NM_022821.4 (MANE Select); coding-DNA position 166, T replaced by C.
Protein change: p.Phe56Leu; replaces phenylalanine 56 with leucine.
Molecular consequence: missense variant. On other transcripts: non-coding transcript variant (1), intron variant (1).
Genome position (GRCh38, 1-based): chr1:43,365,257, A>G on the plus strand (T>C on the coding strand, the complement: ELOVL1 is on the minus strand). VCF-style: chr1-43365257-A-G. GRCh37 (hg19) VCF-style: chr1-43830928-A-G.
Other names: c.166T>C, p.Phe56Leu (NM_001256399.2, NM_001256401.2); c.-6-249T>C (NM_001256402.2); short protein forms F56L.
Identifiers: ClinVar variation 2150658 (VCV002150658.4), dbSNP rs765129030, ClinGen allele CA807684.